The following is an entry in ClinVar:

ClinVar aggregate classification (germline): Uncertain significance. Review status: criteria provided, single submitter (1 of 4 stars). 2 submissions from 2 submitters: Uncertain significance (1). 1 of the submissions does not count toward it. Last evaluated 2024-03-11.

Conditions:
PCNT-related disorder. Also called: PCNT-related condition.

gnomAD v4.1: 7 of 1,613,782 alleles (0.00043%); highest among the groups gnomAD compares: Non-Finnish European, 0.00051%; no homozygotes.

Submissions (2):

Blueprint Genetics
Classification: Uncertain significance. Last evaluated: 2024-03-11. Review status: criteria provided, single submitter. Criteria: ACMG Guidelines, 2015. Collection method: clinical testing. Allele origin: germline.

PreventionGenetics, part of Exact Sciences
Classification: Uncertain significance for PCNT-related condition. Last evaluated: 2024-06-12. Review status: no assertion criteria provided. Collection method: clinical testing. Allele origin: germline. Not counted in ClinVar's aggregate classification.
Comment: The PCNT c.3503T>G variant is predicted to result in the amino acid substitution p.Leu1168Trp. To our knowledge, this variant has not been reported in the literature or in a large population database, indicating this variant is rare. At this time, the clinical significance of this variant is uncertain due to the absence of conclusive functional and genetic evidence.

NM_006031.6(PCNT):c.3503T>G (p.Leu1168Trp)

Gene: PCNT (pericentrin; plus strand). Cytogenetic location: 21q22.3.
Variant type: single nucleotide variant.
Coding change: c.3503T>G on transcript NM_006031.6 (MANE Select); coding-DNA position 3503, T replaced by G.
Protein change: p.Leu1168Trp; replaces leucine 1168 with tryptophan.
Molecular consequence: missense variant.
Genome position (GRCh38, 1-based): chr21:46,388,780, T>G. VCF-style: chr21-46388780-T-G. GRCh37 (hg19) VCF-style: chr21-47808695-T-G.
Other names: c.3149T>G, p.Leu1050Trp (NM_001315529.2); short protein forms L1050W, L1168W.
Identifiers: ClinVar variation 3344059 (VCV003344059.2).
Genomic context (GRCh38, chr21:46,388,780, plus strand): 5'-TGATGGGTGTCTCCTGTCTCAGAGGGGCCCTCCAGGACGCCCTGCGCAGGCTGCTGGGTT[T>G]GTTTGGAGAGACGCTGAGGGCAGCCGTCACCCTGAGGAGCCGGATCGGGGAGCGCGTGGG-3'
Protein context (NP_006022.3, residues 1158-1178): LQDALRRLLG[Leu1168Trp]FGETLRAAVT